The following is an entry in ClinVar:

NM_001039958.2(MESP2):c.1153C>A (p.Gln385Lys)

Gene: MESP2 (mesoderm posterior bHLH transcription factor 2; plus strand). Cytogenetic location: 15q26.1.
Variant type: single nucleotide variant.
Coding change: c.1153C>A on transcript NM_001039958.2 (MANE Select); coding-DNA position 1153, C replaced by A.
Protein change: p.Gln385Lys; replaces glutamine 385 with lysine.
Molecular consequence: missense variant.
Genome position (GRCh38, 1-based): chr15:89,778,293, C>A. VCF-style: chr15-89778293-C-A. GRCh37 (hg19) VCF-style: chr15-90321524-C-A.
Other names: c.1153C>A (NM_001039958.1); short protein forms Q385K.
Identifiers: ClinVar variation 1416275 (VCV001416275.4), dbSNP rs200678001, ClinGen allele CA7730603.

ClinVar aggregate classification (germline): Uncertain significance. Review status: criteria provided, multiple submitters, no conflicts (2 of 4 stars). 2 submissions from 2 submitters: Uncertain significance (2). Last evaluated 2023-01-23.

Conditions:
Inborn genetic diseases. Identifiers: MedGen C0950123, MeSH D030342.

Allele frequency attached by ClinVar (database versions not stated): gnomAD exomes below 0.00001 and 0.00002; ExAC 0.00001; gnomAD 0.00006 and 0.00007; TOPMed 0.00006; ESP Exome Variant Server 0.00008; 1000 Genomes Project 0.00040.
gnomAD v4.1: 14 of 1,612,892 alleles (0.00087%); highest among the groups gnomAD compares: African/African-American, 0.011%; no homozygotes.

Submissions (2):

Ambry Genetics
Classification: Uncertain significance for Inborn genetic diseases. Last evaluated: 2023-01-23. Review status: criteria provided, single submitter. Criteria: Ambry Variant Classification Scheme 2023. Collection method: clinical testing. Allele origin: germline.

Labcorp Genetics (formerly Invitae), Labcorp
Classification: Uncertain significance. Last evaluated: 2022-08-22. Review status: criteria provided, single submitter. Criteria: Invitae Variant Classification Sherloc (09022015). Collection method: clinical testing. Allele origin: germline.
Comment: This sequence change replaces glutamine, which is neutral and polar, with lysine, which is basic and polar, at codon 385 of the MESP2 protein (p.Gln385Lys). This variant is present in population databases (rs200678001, gnomAD 0.01%). This variant has not been reported in the literature in individuals affected with MESP2-related conditions. ClinVar contains an entry for this variant (Variation ID: 1416275). Algorithms developed to predict the effect of missense changes on protein structure and function are either unavailable or do not agree on the potential impact of this missense change (SIFT: "Deleterious"; PolyPhen-2: "Probably Damaging"; Align-GVGD: "Class C0"). In summary, the available evidence is currently insufficient to determine the role of this variant in disease. Therefore, it has been classified as a Variant of Uncertain Significance.